The following is an entry in ClinVar:

NM_000093.5(COL5A1):c.1114G>A (p.Ala372Thr)

Gene: COL5A1 (collagen type V alpha 1 chain; plus strand). Cytogenetic location: 9q34.3.
Variant type: single nucleotide variant.
Coding change: c.1114G>A on transcript NM_000093.5 (MANE Select); coding-DNA position 1114, G replaced by A.
Protein change: p.Ala372Thr; replaces alanine 372 with threonine.
Molecular consequence: missense variant.
Genome position (GRCh38, 1-based): chr9:134,730,425, G>A. VCF-style: chr9-134730425-G-A. GRCh37 (hg19) VCF-style: chr9-137622271-G-A.
Other names: c.1114G>A, p.Ala372Thr (NM_001278074.1); c.1114G>A (NM_000093.3); short protein forms A372T.
Identifiers: ClinVar variation 567379 (VCV000567379.10), dbSNP rs755289850, ClinGen allele CA5318637.

ClinVar aggregate classification (germline): Conflicting classifications of pathogenicity. Review status: criteria provided, conflicting classifications (1 of 4 stars). 3 submissions from 3 submitters: Uncertain significance (2); Benign (1). Last evaluated 2026-05-28.

Conditions:
Ehlers-Danlos syndrome, classic type, 1 (EDSCL1). Also called: Ehlers-Danlos Syndrome, Classic Type, COL5A1-Related; EDS I; Ehlers-Danlos syndrome, type 1; EHLERS-DANLOS SYNDROME, GRAVIS TYPE; EHLERS-DANLOS SYNDROME, SEVERE CLASSIC TYPE. Identifiers: MedGen C0268335, MONDO:0019567, OMIM 130000.
Familial thoracic aortic aneurysm and aortic dissection (TAAD). Also called: Thoracic aortic aneurysms and dissections. Identifiers: Orphanet 91387, MedGen C4707243, MONDO:0019625.

Allele frequency attached by ClinVar (database versions not stated): TOPMed 0.00005; gnomAD 0.00003.
gnomAD v4.1: 55 of 1,613,974 alleles (0.0034%); highest among the groups gnomAD compares: African/African-American, 0.028%; no homozygotes.

Submissions (3):

Ambry Genetics
Classification: Uncertain significance for Familial thoracic aortic aneurysm and aortic dissection. Last evaluated: 2026-05-28. Review status: criteria provided, single submitter. Criteria: Ambry Variant Classification Scheme 2023. Collection method: clinical testing. Allele origin: germline.
Comment: The p.A372T variant (also known as c.1114G>A), located in coding exon 7 of the COL5A1 gene, results from a G to A substitution at nucleotide position 1114. The alanine at codon 372 is replaced by threonine, an amino acid with similar properties. This amino acid position is conserved. In addition, this alteration is predicted to be tolerated by in silico analysis. Based on the available evidence, the clinical significance of this variant remains unclear.

Labcorp Genetics (formerly Invitae), Labcorp
Classification: Benign for Ehlers-Danlos syndrome, classic type, 1. Last evaluated: 2025-07-29. Review status: criteria provided, single submitter. Criteria: Invitae Variant Classification Sherloc (09022015). Collection method: clinical testing. Allele origin: germline.

GeneDx
Classification: Uncertain significance. Last evaluated: 2024-06-11. Review status: criteria provided, single submitter. Criteria: GeneDx Variant Classification Process June 2021. Collection method: clinical testing. Allele origin: germline. Affected: yes.
Comment: In silico analysis indicates that this missense variant does not alter protein structure/function; Has not been previously published as pathogenic or benign to our knowledge; Not located in the triple helical region, where the majority of pathogenic missense variants occur (PMID: 22696272; HGMD); This variant is associated with the following publications: (PMID: 22696272)